The following is an entry in ClinVar:

ClinVar aggregate classification (germline): Uncertain significance (1 of 4 stars; one submission).

Conditions:
Capillary malformation-arteriovenous malformation syndrome. Also called: Capillary malformation-arteriovenous malformation. Identifiers: Orphanet 137667, MedGen C1842180, MONDO:0012016.

Submission:

Labcorp Genetics (formerly Invitae), Labcorp
Classification: Uncertain significance for Capillary malformation-arteriovenous malformation syndrome. Last evaluated: 2023-12-19. Review status: criteria provided, single submitter. Criteria: Invitae Variant Classification Sherloc (09022015). Collection method: clinical testing. Allele origin: unknown.
Comment: This variant results in a copy number gain of the genomic region encompassing exon(s) 2-25 of the RASA1 gene. This region includes the termination codon of the gene. This copy number gain extends beyond the assayed region for this gene and therefore may encompass additional genes. As the precise location of this event is unknown, it may be in tandem or it may be located elsewhere in the genome. This variant has not been reported in the literature in individuals affected with RASA1-related conditions. In summary, the available evidence is currently insufficient to determine the role of this variant in disease. Therefore, it has been classified as a Variant of Uncertain Significance.

NC_000005.9:g.(?_86627145)_(86686700_?)dup

Gene: RASA1 (RAS p21 protein activator 1; plus strand). Cytogenetic location: 5q14.3.
Variant type: Duplication.
Identifiers: ClinVar variation 3246333 (VCV003246333.1).